The following is an entry in ClinVar:

ClinVar aggregate classification (germline): Benign/Likely benign. Review status: criteria provided, multiple submitters, no conflicts (2 of 4 stars). 3 submissions from 3 submitters: Benign (2); Likely benign (1). Last evaluated 2026-03-01.

Allele frequency attached by ClinVar (database versions not stated): gnomAD exomes 0.00020; ExAC 0.00030; 1000 Genomes Project 0.00100; gnomAD 0.00103 and 0.00112; 1000 Genomes Project 30x 0.00109; TOPMed 0.00110; ESP Exome Variant Server 0.00115.
gnomAD v4.1: 330 of 1,613,402 alleles (0.02%); highest among the groups gnomAD compares: African/African-American, 0.35%; no homozygotes.

Submissions (3):

CeGaT Center for Human Genetics Tuebingen
Classification: Likely benign. Last evaluated: 2026-03-01. Review status: criteria provided, single submitter. Criteria: CeGaT Center For Human Genetics Tuebingen Variant Classification Criteria Version 2. Collection method: clinical testing. Allele origin: germline. Affected: yes. Observed: 1 variant allele.
Comment: GRID2: BP4, BP7

Labcorp Genetics (formerly Invitae), Labcorp
Classification: Benign. Last evaluated: 2026-01-08. Review status: criteria provided, single submitter. Criteria: Invitae Variant Classification Sherloc (09022015). Collection method: clinical testing. Allele origin: germline.

Breakthrough Genomics
Classification: Benign. Review status: criteria provided, single submitter. Criteria: ACMG Guidelines, 2015. Collection method: not provided. Allele origin: germline. Inheritance: Autosomal recessive inheritance. Affected: yes.

NM_001510.4(GRID2):c.1467C>T (p.Tyr489=)

Gene: GRID2 (glutamate ionotropic receptor delta type subunit 2; plus strand). Cytogenetic location: 4q22.2.
Variant type: single nucleotide variant.
Coding change: c.1467C>T on transcript NM_001510.4 (MANE Select); coding-DNA position 1467, C replaced by T.
Protein change: p.Tyr489=; no amino-acid change (tyrosine 489 retained).
Molecular consequence: synonymous variant.
Genome position (GRCh38, 1-based): chr4:93,422,890, C>T. VCF-style: chr4-93422890-C-T. GRCh37 (hg19) VCF-style: chr4-94344041-C-T.
Other names: c.1182C>T, p.Tyr394= (NM_001286838.1).
Identifiers: ClinVar variation 729096 (VCV000729096.14), dbSNP rs140894316, ClinGen allele CA3012292.